The following is an entry in ClinVar:

NM_018943.3(TUBA8):c.1339G>A (p.Glu447Lys)

Gene: TUBA8 (tubulin alpha 8; plus strand). Cytogenetic location: 22q11.21.
Variant type: single nucleotide variant.
Coding change: c.1339G>A on transcript NM_018943.3 (MANE Select); coding-DNA position 1339, G replaced by A.
Protein change: p.Glu447Lys; replaces glutamic acid 447 with lysine.
Molecular consequence: missense variant.
Genome position (GRCh38, 1-based): chr22:18,131,125, G>A. VCF-style: chr22-18131125-G-A. GRCh37 (hg19) VCF-style: chr22-18613892-G-A.
Other names: c.1141G>A, p.Glu381Lys (NM_001193414.2); short protein forms E381K, E447K.
Identifiers: ClinVar variation 4726375 (VCV004726375.1).

ClinVar aggregate classification (germline): Uncertain significance (1 of 4 stars; one submission).

gnomAD v4.1: 2 of 1,613,930 alleles (0.00012%); highest among the groups gnomAD compares: Admixed American, 0.0017%; no homozygotes.

Submission:

Labcorp Genetics (formerly Invitae), Labcorp
Classification: Uncertain significance. Last evaluated: 2025-08-31. Review status: criteria provided, single submitter. Criteria: Invitae Variant Classification Sherloc (09022015). Collection method: clinical testing. Allele origin: germline.
Comment: This sequence change replaces glutamic acid, which is acidic and polar, with lysine, which is basic and polar, at codon 447 of the TUBA8 protein (p.Glu447Lys). This variant is present in population databases (rs760171504, gnomAD 0.003%). This variant has not been reported in the literature in individuals affected with TUBA8-related conditions. Experimental studies and prediction algorithms are not available or were not evaluated, and the functional significance of this variant is currently unknown. In summary, the available evidence is currently insufficient to determine the role of this variant in disease. Therefore, it has been classified as a Variant of Uncertain Significance.